The following is an entry in ClinVar:

NM_001927.4(DES):c.1034T>C (p.Leu345Pro)

Gene: DES (desmin; plus strand). Cytogenetic location: 2q35.
Variant type: single nucleotide variant.
Coding change: c.1034T>C on transcript NM_001927.4 (MANE Select); coding-DNA position 1034, T replaced by C.
Protein change: p.Leu345Pro; replaces leucine 345 with proline.
Molecular consequence: missense variant.
Genome position (GRCh38, 1-based): chr2:219,421,350, T>C. VCF-style: chr2-219421350-T-C. GRCh37 (hg19) VCF-style: chr2-220286072-T-C.
Other names: c.1034T>C, p.Leu345Pro (LRG_380t1); short protein forms L345P.
Identifiers: ClinVar variation 16825 (VCV000016825.42), dbSNP rs57639980, ClinGen allele CA217003.
Genomic context (GRCh38, chr2:219,421,350, plus strand): 5'-CTGCTAGTGTCCTCTTCCCTTCCTTGACCTGGGTTCCCCCTCTCCTGCAGAACGATTCCC[T>C]GATGAGGCAGATGCGGGAATTGGAGGACCGATTTGCCAGTGAGGCCAGTGGCTACCAGGA-3'
Protein context (NP_001918.3, residues 335-355): IDALKGTNDS[Leu345Pro]MRQMRELEDR

ClinVar aggregate classification (germline): Pathogenic/Likely pathogenic. Review status: criteria provided, multiple submitters, no conflicts (2 of 4 stars). 9 submissions from 9 submitters: Pathogenic (6); Likely pathogenic (1). 2 of the submissions do not count toward it. Last evaluated 2025-06-04.

Conditions:
DES-related disorders.
Desmin-related myofibrillar myopathy (MFM1). Also called: Desminopathy; MYOFIBRILLAR MYOPATHY WITH ARRHYTHMOGENIC RIGHT VENTRICULAR CARDIOMYOPATHY; DESMIN-RELATED MYOPATHY WITH ARRHYTHMOGENIC RIGHT VENTRICULAR CARDIOMYOPATHY; Myofibrillar myopathy 1; Desmin related myopathy (former name); Desmin storage myopathy (former name). Identifiers: Orphanet 363543, Orphanet 98909, MedGen C1832370, MONDO:0011076, OMIM 601419.

Submissions (9):

Labcorp Genetics (formerly Invitae), Labcorp
Classification: Pathogenic for Desmin-related myofibrillar myopathy. Last evaluated: 2025-06-04. Review status: criteria provided, single submitter. Criteria: Invitae Variant Classification Sherloc (09022015). Collection method: clinical testing. Allele origin: germline.
Comment: This sequence change replaces leucine, which is neutral and non-polar, with proline, which is neutral and non-polar, at codon 345 of the DES protein (p.Leu345Pro). This variant is not present in population databases (gnomAD no frequency). This missense change has been observed in individual(s) with autosomal dominant myofibrillar myopathy (PMID: 10545598). It has also been observed to segregate with disease in related individuals. ClinVar contains an entry for this variant (Variation ID: 16825). Invitae Evidence Modeling of protein sequence and biophysical properties (such as structural, functional, and spatial information, amino acid conservation, physicochemical variation, residue mobility, and thermodynamic stability) indicates that this missense variant is expected to disrupt DES protein function with a positive predictive value of 95%. Experimental studies have shown that this missense change affects DES function (PMID: 10545598, 18563598). For these reasons, this variant has been classified as Pathogenic.

3billion
Classification: Pathogenic for Desmin-related myofibrillar myopathy. Last evaluated: 2024-09-29. Review status: criteria provided, single submitter. Criteria: ACMG Guidelines, 2015. Collection method: clinical testing. Allele origin: germline. Affected: yes.
Comment: The variant is not observed in the gnomAD v4.1.0 dataset. Predicted Consequence/Location: Missense variant Functional studies provide strong evidence of the variant having a damaging effect on the gene or gene product (PMID: 10545598, 12410397, 16217025, 18563598). In silico tool predictions suggest damaging effect of the variant on gene or gene product [REVEL: 0.98 (>=0.6, sensitivity 0.68 and specificity 0.92); 3Cnet: 0.87 (>=0.6, sensitivity 0.72 and precision 0.9)]. The same nucleotide change resulting in the same amino acid change has been previously reported as pathogenic/likely pathogenic with strong evidence (ClinVar ID: VCV000016825 /PMID: 10545598). The variant has been reported to co-segregate with the disease in at least 5 similarly affected relatives/individuals in the same family or similarly affected unrelated families (PMID: 10545598). Therefore, this variant is classified as Pathogenic according to the recommendation of ACMG/AMP guideline.

CeGaT Center for Human Genetics Tuebingen
Classification: Pathogenic. Last evaluated: 2024-01-01. Review status: criteria provided, single submitter. Criteria: CeGaT Center For Human Genetics Tuebingen Variant Classification Criteria Version 2. Collection method: clinical testing. Allele origin: germline. Affected: yes. Observed: 1 variant allele.
Comment: DES: PP1:Strong, PM1, PM2, PS3:Moderate, PS4:Moderate, PP3

Blueprint Genetics
Classification: Pathogenic for DES-related disorders. Last evaluated: 2023-04-20. Review status: criteria provided, single submitter. Criteria: ACMG Guidelines, 2015. Collection method: clinical testing. Allele origin: germline. Affected: yes. Observed: 1 variant allele.

Revvity Omics, Revvity
Classification: Likely pathogenic. Last evaluated: 2022-04-02. Review status: criteria provided, single submitter. Criteria: ACMG Guidelines, 2015. Collection method: clinical testing. Allele origin: germline.

Athena Diagnostics
Classification: Pathogenic. Last evaluated: 2021-11-03. Review status: criteria provided, single submitter. Criteria: Athena Diagnostics Criteria. Collection method: clinical testing. Allele origin: unknown.
Comment: This variant has not been reported in large, multi-ethnic general populations. This variant appears to be associated with disease in at least one family. Assessment of experimental evidence suggests this variant results in abnormal protein function. This variant caused disruption of mitochondrial structures (PMID: 16217025).

Molecular Diagnostic Laboratory for Inherited Cardiovascular Disease, Montreal Heart Institute
Classification: Pathogenic. Last evaluated: 2020-01-03. Review status: criteria provided, single submitter. Criteria: ACMG Guidelines, 2015. Collection method: clinical testing. Allele origin: germline. Affected: yes.

OMIM
Classification: Pathogenic for MYOPATHY, MYOFIBRILLAR, 1. Last evaluated: 1999-11-01. Review status: no assertion criteria provided. Collection method: literature only. Allele origin: germline. Not counted in ClinVar's aggregate classification.

Epithelial Biology;  Institute of Medical Biology, Singapore
No classification provided. Review status: no classification provided. Collection method: not provided. Allele origin: not provided. Not counted in ClinVar's aggregate classification.

Literature cited by the submitters: PubMed 10545598 (cited by 4 submitters); PubMed 18563598 (cited by 3 submitters); PubMed 16217025 (cited by 3billion and Athena Diagnostics); PubMed 12410397 (cited by 3billion and Athena Diagnostics); PubMed 25171807 (cited by Athena Diagnostics); PubMed 22153487 (cited by Athena Diagnostics); PubMed 8114783 (cited by Athena Diagnostics and OMIM).